The following is an entry in ClinVar:

ClinVar aggregate classification (germline): Benign/Likely benign. Review status: criteria provided, multiple submitters, no conflicts (2 of 4 stars). 3 submissions from 3 submitters: Benign (1); Likely benign (1). 1 of the submissions does not count toward it. Last evaluated 2026-01-21.

Conditions:
Epileptic encephalopathy. Identifiers: MedGen C0543888, HP:0200134.
FASN-related disorder. Also called: FASN-related condition.

Allele frequency attached by ClinVar (database versions not stated): gnomAD exomes 0.00019 and 0.00055; ExAC 0.00070; 1000 Genomes Project 30x 0.00172; 1000 Genomes Project 0.00180; gnomAD 0.00194 and 0.00207; TOPMed 0.00223; ESP Exome Variant Server 0.00247.
gnomAD v4.1: 583 of 1,611,986 alleles (0.036%); highest among the groups gnomAD compares: African/African-American, 0.69%; 1 homozygote.

Submissions (3):

Labcorp Genetics (formerly Invitae), Labcorp
Classification: Benign for Epileptic encephalopathy. Last evaluated: 2026-01-21. Review status: criteria provided, single submitter. Criteria: Invitae Variant Classification Sherloc (09022015). Collection method: clinical testing. Allele origin: germline.

CeGaT Center for Human Genetics Tuebingen
Classification: Likely benign. Last evaluated: 2022-12-01. Review status: criteria provided, single submitter. Criteria: CeGaT Center For Human Genetics Tuebingen Variant Classification Criteria Version 2. Collection method: clinical testing. Allele origin: germline. Affected: yes. Observed: 1 variant allele.
Comment: FASN: BP4, BP7

PreventionGenetics, part of Exact Sciences
Classification: Likely benign for FASN-related condition. Last evaluated: 2019-02-20. Review status: no assertion criteria provided. Collection method: clinical testing. Allele origin: germline. Not counted in ClinVar's aggregate classification.
Comment: This variant is classified as likely benign based on ACMG/AMP sequence variant interpretation guidelines (Richards et al. 2015 PMID: 25741868, with internal and published modifications).

NM_004104.5(FASN):c.5259G>A (p.Leu1753=)

Gene: FASN (fatty acid synthase; minus strand). Cytogenetic location: 17q25.3.
Variant type: single nucleotide variant.
Coding change: c.5259G>A on transcript NM_004104.5 (MANE Select); coding-DNA position 5259, G replaced by A.
Protein change: p.Leu1753=; no amino-acid change (leucine 1753 retained).
Molecular consequence: synonymous variant.
Genome position (GRCh38, 1-based): chr17:82,083,599, C>T on the plus strand (G>A on the coding strand, the complement: FASN is on the minus strand). VCF-style: chr17-82083599-C-T. GRCh37 (hg19) VCF-style: chr17-80041475-C-T.
Identifiers: ClinVar variation 462066 (VCV000462066.36), dbSNP rs75603975, ClinGen allele CA8851759.